The following is an entry in ClinVar:

NM_001367873.1(SOX6):c.726G>C (p.Gln242His)

Gene: SOX6 (SRY-box transcription factor 6; minus strand). Cytogenetic location: 11p15.2.
Variant type: single nucleotide variant.
Coding change: c.726G>C on transcript NM_001367873.1 (MANE Select); coding-DNA position 726, G replaced by C.
Protein change: p.Gln242His; replaces glutamine 242 with histidine.
Molecular consequence: missense variant.
Genome position (GRCh38, 1-based): chr11:16,183,937, C>G on the plus strand (G>C on the coding strand, the complement: SOX6 is on the minus strand). VCF-style: chr11-16183937-C-G. GRCh37 (hg19) VCF-style: chr11-16205483-C-G.
Other names: c.726G>C, p.Gln242His (NM_001145811.2, NM_001145819.2, NM_001367872.1 and 2 more transcripts); short protein forms Q242H.
Identifiers: ClinVar variation 2641635 (VCV002641635.24), dbSNP rs1482336200, ClinGen allele CA379877629.

ClinVar aggregate classification (germline): Uncertain significance (1 of 4 stars; one submission).

Allele frequency attached by ClinVar (database versions not stated): gnomAD exomes below 0.00001.
gnomAD v4.1: 1 of 1,612,302 alleles (0.000062%); highest among the groups gnomAD compares: South Asian, 0.0011%; no homozygotes.

Submission:

CeGaT Center for Human Genetics Tuebingen
Classification: Uncertain significance. Last evaluated: 2022-05-01. Review status: criteria provided, single submitter. Criteria: CeGaT Center For Human Genetics Tuebingen Variant Classification Criteria Version 2. Collection method: clinical testing. Allele origin: germline. Affected: yes. Observed: 1 variant allele.
Comment: SOX6: PM2, PP3